The following is an entry in ClinVar:

NM_003072.5(SMARCA4):c.2002-1G>A

Gene: SMARCA4 (SWI/SNF related BAF chromatin remodeling complex subunit ATPase 4; plus strand). Cytogenetic location: 19p13.2.
Variant type: single nucleotide variant.
Coding change: c.2002-1G>A on transcript NM_003072.5 (MANE Select); the canonical splice acceptor site of the intron before coding-DNA position 2002, G replaced by A.
Molecular consequence: splice acceptor variant.
Genome position (GRCh38, 1-based): chr19:11,007,901, G>A. VCF-style: chr19-11007901-G-A. GRCh37 (hg19) VCF-style: chr19-11118577-G-A.
Other names: c.2002-1G>A (NM_001128844.3, NM_001128849.3, NM_001128847.4 and 6 more transcripts).
Identifiers: ClinVar variation 1525165 (VCV001525165.8), dbSNP rs2146189762, ClinGen allele CA404052356.

ClinVar aggregate classification (germline): Likely pathogenic (1 of 4 stars; one submission).

Conditions:
Rhabdoid tumor predisposition syndrome 2 (RTPS2). Identifiers: Orphanet 231108, Orphanet 69077, MedGen C2750074, MONDO:0013224, OMIM 613325.

Submission:

Labcorp Genetics (formerly Invitae), Labcorp
Classification: Likely pathogenic for Rhabdoid tumor predisposition syndrome 2. Last evaluated: 2025-10-22. Review status: criteria provided, single submitter. Criteria: Invitae Variant Classification Sherloc (09022015). Collection method: clinical testing. Allele origin: germline.
Comment: This sequence change affects an acceptor splice site in intron 13 of the SMARCA4 gene. It is expected to disrupt RNA splicing. Variants that disrupt the donor or acceptor splice site typically lead to a loss of protein function (PMID: 16199547), and loss-of-function variants in SMARCA4 are known to be pathogenic (PMID: 24658001, 24658002). This variant is not present in population databases (gnomAD no frequency). Disruption of this splice site has been observed in individual(s) with bilateral ovarian fibromas (PMID: 35775118). ClinVar contains an entry for this variant (Variation ID: 1525165). Algorithms developed to predict the effect of sequence changes on RNA splicing suggest that this variant may disrupt the consensus splice site. In summary, the currently available evidence indicates that the variant is pathogenic, but additional data are needed to prove that conclusively. Therefore, this variant has been classified as Likely Pathogenic.

Literature cited by the submitters: PubMed 16199547; PubMed 24658001; PubMed 24658002; PubMed 35775118.